The following is an entry in ClinVar:

ClinVar aggregate classification (germline): Likely benign. Review status: criteria provided, multiple submitters, no conflicts (2 of 4 stars). 3 submissions from 3 submitters: Likely benign (3). Last evaluated 2024-11-11.

Allele frequency attached by ClinVar (database versions not stated): 1000 Genomes Project 30x 0.00156; 1000 Genomes Project 0.00180; ExAC 0.00190; gnomAD exomes 0.00212; gnomAD 0.00230 and 0.00232; TOPMed 0.00306; ESP Exome Variant Server 0.00331.

Submissions (3):

Blueprint Genetics
Classification: Likely benign. Last evaluated: 2024-11-11. Review status: criteria provided, single submitter. Criteria: ACMG Guidelines, 2015. Collection method: clinical testing. Allele origin: germline.

Laboratory for Molecular Medicine, Mass General Brigham Personalized Medicine
Classification: Likely benign. Last evaluated: 2017-02-06. Review status: criteria provided, single submitter. Criteria: LMM Criteria. Collection method: clinical testing. Allele origin: germline. Observed: 2 variant alleles.
Comment: p.Val39Gly in exon 2 of ELMOD2: This variant is not expected to have clinical si gnificance because it has been identified in 0.3% (205/66694) of European chromo somes, including 1 homozygote, by the Exome Aggregation Consortium (ExAC; dbSNP rs150922490).

Breakthrough Genomics
Classification: Likely benign. Review status: criteria provided, single submitter. Criteria: ACMG Guidelines, 2015. Collection method: not provided. Allele origin: germline. Inheritance: Unknown mechanism. Affected: yes.

NM_153702.4(ELMOD2):c.116T>G (p.Val39Gly)

Gene: ELMOD2 (ELMO domain containing 2; plus strand). Cytogenetic location: 4q31.1.
Variant type: single nucleotide variant.
Coding change: c.116T>G on transcript NM_153702.4 (MANE Select); coding-DNA position 116, T replaced by G.
Protein change: p.Val39Gly; replaces valine 39 with glycine.
Molecular consequence: missense variant.
Genome position (GRCh38, 1-based): chr4:140,525,544, T>G. VCF-style: chr4-140525544-T-G. GRCh37 (hg19) VCF-style: chr4-141446698-T-G.
Other names: short protein forms V39G.
Identifiers: ClinVar variation 504726 (VCV000504726.6), dbSNP rs150922490, ClinGen allele CA3086320.